The following is an entry in ClinVar:

NM_001127208.3(TET2):c.234T>A (p.Phe78Leu)

Genes: TET2 (tet methylcytosine dioxygenase 2; plus strand), TET2-AS1 (TET2 antisense RNA 1; minus strand). Cytogenetic location: 4q24.
Variant type: single nucleotide variant.
Coding change: c.234T>A on transcript NM_001127208.3 (MANE Select); coding-DNA position 234, T replaced by A.
Protein change: p.Phe78Leu; replaces phenylalanine 78 with leucine.
Molecular consequence: missense variant.
Genome position (GRCh38, 1-based): chr4:105,234,176, T>A. VCF-style: chr4-105234176-T-A. GRCh37 (hg19) VCF-style: chr4-106155333-T-A.
Other names: c.234T>A, p.Phe78Leu (NM_017628.4); short protein forms F78L.
Identifiers: ClinVar variation 3455378 (VCV003455378.1).

ClinVar aggregate classification (germline): Uncertain significance (1 of 4 stars; one submission).

gnomAD v4.1: 3 of 1,614,184 alleles (0.00019%); highest among the groups gnomAD compares: Non-Finnish European, 0.00025%; no homozygotes.

Submission:

Ambry Genetics
Classification: Uncertain significance. Last evaluated: 2024-12-06. Review status: criteria provided, single submitter. Criteria: Ambry Variant Classification Scheme 2023. Collection method: clinical testing. Allele origin: germline.
Comment: The p.F78L variant (also known as c.234T>A), located in coding exon 1 of the TET2 gene, results from a T to A substitution at nucleotide position 234. The phenylalanine at codon 78 is replaced by leucine, an amino acid with highly similar properties. This amino acid position is conserved. In addition, this alteration is predicted to be tolerated by in silico analysis. Based on the available evidence, the clinical significance of this variant remains unclear.